The following is an entry in ClinVar:

ClinVar aggregate classification (germline): Pathogenic/Likely pathogenic, low penetrance. Review status: criteria provided, multiple submitters, no conflicts (2 of 4 stars). 2 submissions from 2 submitters: Pathogenic (1); Likely pathogenic, low penetrance (1). Last evaluated 2025-09-26.

Conditions:
CFI-related disorder. Also called: CFI-related condition; CFI-related disorders. Identifiers: MedGen CN239325.

Submissions (2):

Genomenon, Inc
Classification: Likely pathogenic, low penetrance for CFI-related disorder. Last evaluated: 2025-09-26. Review status: criteria provided, single submitter. Criteria: Genomenon Sequence Variant Interpretation Standards - Updated. Collection method: curation. Allele origin: germline. Affected: no.
Comment: CFI p.Arg202LysfsTer10 (c.602dup) is a frameshift variant that results in the production of a truncated protein which is predicted to undergo nonsense-mediated mRNA decay. This variant has been reported in the published literature (32510551). It is absent or not present at a significant frequency in gnomAD. In conclusion, we classify CFI p.Arg202LysfsTer10 (c.602dup) as a likely pathogenic, low penetrance variant.

Labcorp Genetics (formerly Invitae), Labcorp
Classification: Pathogenic. Last evaluated: 2023-06-04. Review status: criteria provided, single submitter. Criteria: Invitae Variant Classification Sherloc (09022015). Collection method: clinical testing. Allele origin: germline.
Comment: For these reasons, this variant has been classified as Pathogenic. This variant has not been reported in the literature in individuals affected with CFI-related conditions. This variant is not present in population databases (gnomAD no frequency). This sequence change creates a premature translational stop signal (p.Arg202Lysfs*10) in the CFI gene. It is expected to result in an absent or disrupted protein product. Loss-of-function variants in CFI are known to be pathogenic (PMID: 15917334, 16621965, 19065647, 20016463, 22710145).

Literature cited by the submitters: PubMed 15917334 (cited by Labcorp Genetics (formerly Invitae), Labcorp); PubMed 16621965 (cited by Labcorp Genetics (formerly Invitae), Labcorp); PubMed 19065647 (cited by Labcorp Genetics (formerly Invitae), Labcorp); PubMed 20016463 (cited by Labcorp Genetics (formerly Invitae), Labcorp); PubMed 22710145 (cited by Labcorp Genetics (formerly Invitae), Labcorp).

NM_000204.5(CFI):c.602dup (p.Arg202fs)

Gene: CFI (complement factor I; minus strand). Cytogenetic location: 4q25.
Variant type: Duplication.
Coding change: c.602dup on transcript NM_000204.5 (MANE Select); coding-DNA position 602, one base duplicated (G; older notation c.602dupG).
Protein change: p.Arg202fs; shifts the reading frame from arginine 202.
Molecular consequence: frameshift variant. On other transcripts: 5 prime UTR variant (1), non-coding transcript variant (3).
Genome position (GRCh38, 1-based): chr4:109,761,573, C duplicated on the plus strand (G on the coding strand, the reverse complement: CFI is on the minus strand). VCF-style (leftmost placement, unchanged base first): chr4-109761572-T-TC. GRCh37 (hg19) VCF-style: chr4-110682728-T-TC.
Other names: c.602dup, p.Arg202fs (NM_001375280.1, NM_001375281.1, NM_001375282.1 and 5 more transcripts); c.-8dup (NM_001375284.1); short protein forms R202fs.
Identifiers: ClinVar variation 2768136 (VCV002768136.4), dbSNP rs2545439344, ClinGen allele CA2697546854.